The following is an entry in ClinVar:

NM_000540.3(RYR1):c.5147G>C (p.Ser1716Thr)

Gene: RYR1 (ryanodine receptor 1; plus strand). Cytogenetic location: 19q13.2.
Variant type: single nucleotide variant.
Coding change: c.5147G>C on transcript NM_000540.3 (MANE Select); coding-DNA position 5147, G replaced by C.
Protein change: p.Ser1716Thr; replaces serine 1716 with threonine.
Molecular consequence: missense variant.
Genome position (GRCh38, 1-based): chr19:38,485,802, G>C. VCF-style: chr19-38485802-G-C. GRCh37 (hg19) VCF-style: chr19-38976442-G-C.
Other names: c.5147G>C, p.Ser1716Thr (NM_001042723.2); short protein forms S1716T.
Identifiers: ClinVar variation 2987419 (VCV002987419.3), dbSNP rs2514227536, ClinGen allele CA405653973.

ClinVar aggregate classification (germline): Uncertain significance (1 of 4 stars; one submission).

Conditions:
RYR1-related disorder. Also called: RYR1-related condition; RYR1-related disorders. Identifiers: MedGen CN239331.

Submission:

Labcorp Genetics (formerly Invitae), Labcorp
Classification: Uncertain significance for RYR1-related disorder. Last evaluated: 2023-02-16. Review status: criteria provided, single submitter. Criteria: Invitae Variant Classification Sherloc (09022015). Collection method: clinical testing. Allele origin: germline.
Comment: In summary, the available evidence is currently insufficient to determine the role of this variant in disease. Therefore, it has been classified as a Variant of Uncertain Significance. Advanced modeling of protein sequence and biophysical properties (such as structural, functional, and spatial information, amino acid conservation, physicochemical variation, residue mobility, and thermodynamic stability) performed at Invitae indicates that this missense variant is not expected to disrupt RYR1 protein function. This variant has not been reported in the literature in individuals affected with RYR1-related conditions. This variant is not present in population databases (gnomAD no frequency). This sequence change replaces serine, which is neutral and polar, with threonine, which is neutral and polar, at codon 1716 of the RYR1 protein (p.Ser1716Thr).